The following is an entry in ClinVar:

ClinVar aggregate classification (germline): Likely benign (1 of 4 stars; one submission).

Allele frequency attached by ClinVar (database versions not stated): TOPMed below 0.00001; gnomAD 0.00001.
gnomAD v4.1: 2 of 1,613,822 alleles (0.00012%); highest among the groups gnomAD compares: African/African-American, 0.0027%; no homozygotes.

Submission:

GeneDx
Classification: Likely benign. Last evaluated: 2018-04-05. Review status: criteria provided, single submitter. Criteria: GeneDx Variant Classification (06012015). Collection method: clinical testing. Allele origin: germline. Affected: yes.
Comment: This variant is considered likely benign or benign based on one or more of the following criteria: it is a conservative change, it occurs at a poorly conserved position in the protein, it is predicted to be benign by multiple in silico algorithms, and/or has population frequency not consistent with disease.

NM_001267550.2(TTN):c.106087G>C (p.Gly35363Arg)

Genes: TTN (titin; minus strand), TTN-AS1 (TTN antisense RNA 1; plus strand), LOC129935182 (ATAC-STARR-seq lymphoblastoid active region 16807; plus strand). Cytogenetic location: 2q31.2.
Variant type: single nucleotide variant.
Coding change: c.106087G>C on transcript NM_001267550.2 (MANE Select); coding-DNA position 106087, G replaced by C.
Protein change: p.Gly35363Arg; replaces glycine 35363 with arginine.
Molecular consequence: missense variant.
Genome position (GRCh38, 1-based): chr2:178,530,528, C>G on the plus strand (G>C on the coding strand, the complement: TTN is on the minus strand). VCF-style: chr2-178530528-C-G. GRCh37 (hg19) VCF-style: chr2-179395255-C-G.
Other names: c.101164G>C, p.Gly33722Arg (NM_001256850.1); c.78892G>C, p.Gly26298Arg (NM_003319.4); c.98383G>C, p.Gly32795Arg (NM_133378.4); c.79267G>C, p.Gly26423Arg (NM_133432.3); c.79468G>C, p.Gly26490Arg (NM_133437.4); short protein forms G35363R, G26423R, G26490R, G26298R, G32795R, G33722R.
Identifiers: ClinVar variation 681557 (VCV000681557.1), dbSNP rs1575217507, ClinGen allele CA349407060.